The following is an entry in ClinVar:

ClinVar aggregate classification (germline): Uncertain significance (1 of 4 stars; one submission).

Conditions:
FLNA-related disorder.

Allele frequency attached by ClinVar (database versions not stated): gnomAD exomes 0.00001; TOPMed 0.00001; gnomAD 0.00002.
gnomAD v4.1: 8 of 1,210,676 alleles (0.00066%); highest among the groups gnomAD compares: Admixed American, 0.0043%; no homozygotes.

Submission:

PreventionGenetics, part of Exact Sciences
Classification: Uncertain significance for FLNA-related condition. Last evaluated: 2022-09-20. Review status: criteria provided, single submitter. Criteria: ACMG Guidelines, 2015. Collection method: clinical testing. Allele origin: germline.
Comment: The FLNA c.6007C>T variant is predicted to result in the amino acid substitution p.Arg2003Cys. To our knowledge, this variant has not been reported in the literature or in a large population database, indicating this variant is rare. At this time, the clinical significance of this variant is uncertain due to the absence of conclusive functional and genetic evidence.

NM_001110556.2(FLNA):c.6007C>T (p.Arg2003Cys)

Gene: FLNA (filamin A; minus strand). Cytogenetic location: Xq28.
Variant type: single nucleotide variant.
Coding change: c.6007C>T on transcript NM_001110556.2 (MANE Select); coding-DNA position 6007, C replaced by T.
Protein change: p.Arg2003Cys; replaces arginine 2003 with cysteine.
Molecular consequence: missense variant.
Genome position (GRCh38, 1-based): chrX:154,353,311, G>A on the plus strand (C>T on the coding strand, the complement: FLNA is on the minus strand). VCF-style: chrX-154353311-G-A. GRCh37 (hg19) VCF-style: chrX-153581679-G-A.
Other names: c.5983C>T, p.Arg1995Cys (NM_001456.4); short protein forms R1995C, R2003C.
Identifiers: ClinVar variation 2637317 (VCV002637317.1), dbSNP rs2067636406, ClinGen allele CA415197028.